The following is an entry in ClinVar:

NM_013254.4(TBK1):c.1761-3C>G

Gene: TBK1 (TANK binding kinase 1; plus strand). Cytogenetic location: 12q14.2.
Variant type: single nucleotide variant.
Coding change: c.1761-3C>G on transcript NM_013254.4 (MANE Select); 3 bases into the intron before coding-DNA position 1761, C replaced by G.
Molecular consequence: intron variant.
Genome position (GRCh38, 1-based): chr12:64,496,946, C>G. VCF-style: chr12-64496946-C-G. GRCh37 (hg19) VCF-style: chr12-64890726-C-G.
Identifiers: ClinVar variation 2705439 (VCV002705439.3), dbSNP rs2539537084, ClinGen allele CA2697559322.

ClinVar aggregate classification (germline): Uncertain significance (1 of 4 stars; one submission).

Conditions:
Frontotemporal dementia and/or amyotrophic lateral sclerosis 4. Also called: FTDALS4. Identifiers: Orphanet 275872, MedGen C4225325, MONDO:0014641, OMIM 616439.

Submission:

Labcorp Genetics (formerly Invitae), Labcorp
Classification: Uncertain significance for Frontotemporal dementia and/or amyotrophic lateral sclerosis 4. Last evaluated: 2023-12-25. Review status: criteria provided, single submitter. Criteria: Invitae Variant Classification Sherloc (09022015). Collection method: clinical testing. Allele origin: germline.
Comment: This sequence change falls in intron 16 of the TBK1 gene. It does not directly change the encoded amino acid sequence of the TBK1 protein. It affects a nucleotide within the consensus splice site. This variant is not present in population databases (gnomAD no frequency). This variant has not been reported in the literature in individuals affected with TBK1-related conditions. Variants that disrupt the consensus splice site are a relatively common cause of aberrant splicing (PMID: 17576681, 9536098). Algorithms developed to predict the effect of sequence changes on RNA splicing suggest that this variant may disrupt the consensus splice site. In summary, the available evidence is currently insufficient to determine the role of this variant in disease. Therefore, it has been classified as a Variant of Uncertain Significance.

Literature cited by the submitters: PubMed 17576681; PubMed 9536098.